The following is an entry in ClinVar:

NM_000179.3(MSH6):c.476C>G (p.Ala159Gly)

Gene: MSH6 (mutS homolog 6; plus strand). Cytogenetic location: 2p16.3.
Variant type: single nucleotide variant.
Coding change: c.476C>G on transcript NM_000179.3 (MANE Select); coding-DNA position 476, C replaced by G.
Protein change: p.Ala159Gly; replaces alanine 159 with glycine.
Molecular consequence: missense variant. On other transcripts: 5 prime UTR variant (1), intron variant (2).
Genome position (GRCh38, 1-based): chr2:47,795,912, C>G. VCF-style: chr2-47795912-C-G. GRCh37 (hg19) VCF-style: chr2-48023051-C-G.
Other names: c.-427C>G (NM_001281494.2); c.-279-2699C>G (NM_001281493.2); c.238-2699C>G (NM_001281492.2); short protein forms A159G.
Identifiers: ClinVar variation 1356703 (VCV001356703.10), dbSNP rs587778528, ClinGen allele CA346738596.

ClinVar aggregate classification (germline): Uncertain significance. Review status: criteria provided, multiple submitters, no conflicts (2 of 4 stars). 2 submissions from 2 submitters: Uncertain significance (2). Last evaluated 2022-03-28.

Conditions:
Hereditary cancer-predisposing syndrome. Also called: Neoplastic Syndromes, Hereditary; Tumor predisposition; Hereditary neoplastic syndrome; Hereditary Cancer Syndrome. Identifiers: Orphanet 140162, MedGen C0027672, MeSH D009386, MONDO:0015356.
Hereditary nonpolyposis colorectal neoplasms. Identifiers: MedGen C0009405, MeSH D003123.

Submissions (2):

Ambry Genetics
Classification: Uncertain significance for Hereditary cancer-predisposing syndrome. Last evaluated: 2022-03-28. Review status: criteria provided, single submitter. Criteria: Ambry Variant Classification Scheme 2023. Collection method: clinical testing. Allele origin: germline.
Comment: The p.A159G variant (also known as c.476C>G), located in coding exon 3 of the MSH6 gene, results from a C to G substitution at nucleotide position 476. The alanine at codon 159 is replaced by glycine, an amino acid with similar properties. This amino acid position is well conserved in available vertebrate species. In addition, this alteration is predicted to be tolerated by in silico analysis. Since supporting evidence is limited at this time, the clinical significance of this alteration remains unclear.

Labcorp Genetics (formerly Invitae), Labcorp
Classification: Uncertain significance for Hereditary nonpolyposis colorectal neoplasms. Last evaluated: 2020-12-16. Review status: criteria provided, single submitter. Criteria: Invitae Variant Classification Sherloc (09022015). Collection method: clinical testing. Allele origin: germline.
Comment: This sequence change replaces alanine with glycine at codon 159 of the MSH6 protein (p.Ala159Gly). The alanine residue is moderately conserved and there is a small physicochemical difference between alanine and glycine. This variant is not present in population databases (ExAC no frequency). This variant has not been reported in the literature in individuals with MSH6-related conditions. Advanced modeling of protein sequence and biophysical properties (such as structural, functional, and spatial information, amino acid conservation, physicochemical variation, residue mobility, and thermodynamic stability) performed at Invitae indicates that this missense variant is not expected to disrupt MSH6 protein function. In summary, the available evidence is currently insufficient to determine the role of this variant in disease. Therefore, it has been classified as a Variant of Uncertain Significance.